The following is an entry in ClinVar:

ClinVar aggregate classification (germline): Benign/Likely benign. Review status: criteria provided, multiple submitters, no conflicts (2 of 4 stars). 6 submissions from 6 submitters: Benign (1); Likely benign (3). 2 of the submissions do not count toward it. Last evaluated 2026-03-01.

Conditions:
Pontocerebellar hypoplasia, type 11. Identifiers: Orphanet 611247, MedGen C4540164, MONDO:0054669, OMIM 617695.

Allele frequency attached by ClinVar (database versions not stated): 1000 Genomes Project 0.00300; 1000 Genomes Project 30x 0.00406; gnomAD 0.00466 and 0.00468; TOPMed 0.00491; ESP Exome Variant Server 0.00500; gnomAD exomes 0.00512; ExAC 0.00561.
gnomAD v4.1: 9,206 of 1,608,862 alleles (0.57%); highest among the groups gnomAD compares: South Asian, 0.65%; 36 homozygotes.

Submissions (6):

CeGaT Center for Human Genetics Tuebingen
Classification: Likely benign. Last evaluated: 2026-03-01. Review status: criteria provided, single submitter. Criteria: CeGaT Center For Human Genetics Tuebingen Variant Classification Criteria Version 2. Collection method: clinical testing. Allele origin: germline. Affected: yes. Observed: 11 variant alleles.
Comment: TBC1D23: BP4, BS2

Genetic Services Laboratory, University of Chicago
Classification: Benign. Last evaluated: 2019-07-11. Review status: criteria provided, single submitter. Criteria: ACMG Guidelines, 2015. Collection method: clinical testing. Allele origin: germline. Affected: no.

Mendelics
Classification: Likely benign for Pontocerebellar hypoplasia, type 11. Last evaluated: 2019-05-28. Review status: criteria provided, single submitter. Criteria: Mendelics Assertion Criteria 2017. Collection method: clinical testing. Allele origin: unknown.

Breakthrough Genomics
Classification: Likely benign. Review status: criteria provided, single submitter. Criteria: ACMG Guidelines, 2015. Collection method: not provided. Allele origin: germline. Inheritance: Autosomal recessive inheritance. Affected: yes.

Clinical Genetics DNA and cytogenetics Diagnostics Lab, Erasmus MC, Erasmus Medical Center
Classification: Benign. Review status: no assertion criteria provided. Collection method: clinical testing. Allele origin: germline. Affected: yes. Study: VKGL Data-share Consensus. Not counted in ClinVar's aggregate classification.

Laboratory of Diagnostic Genome Analysis, Leiden University Medical Center (LUMC)
Classification: Likely benign. Review status: no assertion criteria provided. Collection method: clinical testing. Allele origin: germline. Affected: yes. Study: VKGL Data-share Consensus. Not counted in ClinVar's aggregate classification.

NM_001199198.3(TBC1D23):c.92G>C (p.Cys31Ser)

Gene: TBC1D23 (TBC1 domain family member 23; plus strand). Cytogenetic location: 3q12.1.
Variant type: single nucleotide variant.
Coding change: c.92G>C on transcript NM_001199198.3 (MANE Select); coding-DNA position 92, G replaced by C.
Protein change: p.Cys31Ser; replaces cysteine 31 with serine.
Molecular consequence: missense variant.
Genome position (GRCh38, 1-based): chr3:100,279,687, G>C. VCF-style: chr3-100279687-G-C. GRCh37 (hg19) VCF-style: chr3-99998531-G-C.
Other names: c.92G>C, p.Cys31Ser (NM_018309.5); short protein forms C31S.
Identifiers: ClinVar variation 801991 (VCV000801991.32), dbSNP rs62636640, ClinGen allele CA2514333.